The following is an entry in ClinVar:

ClinVar aggregate classification (germline): Benign. Review status: criteria provided, multiple submitters, no conflicts (2 of 4 stars). 7 submissions from 7 submitters: Benign (7). Last evaluated 2026-02-03.

Conditions:
SEPN1-related disorder. Also called: SEPN1-Related Disorders. Identifiers: MedGen CN239420.
Eichsfeld type congenital muscular dystrophy (CMYO3). Also called: Rigid spine muscular dystrophy 1; MYOPATHY, SEPN1-RELATED; SELENON-related myopathy; Congenital myopathy 3 with rigid spine. Identifiers: MedGen C0410180, MONDO:0100100, OMIM 602771.

Allele frequency attached by ClinVar (database versions not stated): gnomAD exomes 0.00165 and 0.00433; gnomAD 0.02150 and 0.02295; TOPMed 0.02214; 1000 Genomes Project 30x 0.02608.
gnomAD v4.1: 4,513 of 971,178 alleles (0.46%); highest among the groups gnomAD compares: African/African-American, 7.3%; 160 homozygotes.

Submissions (7):

Labcorp Genetics (formerly Invitae), Labcorp
Classification: Benign for Eichsfeld type congenital muscular dystrophy. Last evaluated: 2026-02-03. Review status: criteria provided, single submitter. Criteria: Invitae Variant Classification Sherloc (09022015). Collection method: clinical testing. Allele origin: germline.

Mayo Clinic Laboratories, Mayo Clinic
Classification: Benign. Last evaluated: 2022-03-24. Review status: criteria provided, single submitter. Criteria: ACMG Guidelines, 2015. Collection method: clinical testing. Allele origin: germline. Observed: 3 variant alleles.

Eurofins Ntd Llc (ga)
Classification: Benign. Last evaluated: 2017-09-26. Review status: criteria provided, single submitter. Criteria: EGL Classification Definitions 2015. Collection method: clinical testing. Allele origin: germline. Observed: 13 variant alleles, 12 heterozygotes, 1 homozygote.

Illumina Laboratory Services, Illumina
Classification: Benign for SEPN1-Related Disorders. Last evaluated: 2017-04-27. Review status: criteria provided, single submitter. Criteria: ICSL Variant Classification Criteria 13 December 2019. Collection method: clinical testing. Allele origin: germline.
Comment: This variant was observed as part of a predisposition screen in an ostensibly healthy population. A literature search was performed for the gene, cDNA change, and amino acid change (where applicable). No publications were found based on this search. Allele frequency data from public databases was too high to be consistent with this variant causing disease. Therefore, this variant is classified as benign.

GeneDx
Classification: Benign. Last evaluated: 2015-03-03. Review status: criteria provided, single submitter. Criteria: GeneDx Variant Classification Process June 2021. Collection method: clinical testing. Allele origin: germline. Affected: yes.

Breakthrough Genomics
Classification: Benign. Review status: criteria provided, single submitter. Criteria: ACMG Guidelines, 2015. Collection method: not provided. Allele origin: germline. Inheritance: Autosomal recessive inheritance. Affected: yes.

PreventionGenetics, part of Exact Sciences
Classification: Benign. Review status: criteria provided, single submitter. Criteria: ACMG Guidelines, 2015. Collection method: clinical testing. Allele origin: germline.

NM_206926.2(SELENON):c.42C>T (p.Pro14=)

Gene: SELENON (selenoprotein N; plus strand). Cytogenetic location: 1p36.11.
Variant type: single nucleotide variant.
Coding change: c.42C>T on transcript NM_206926.2 (MANE Select); coding-DNA position 42, C replaced by T.
Protein change: p.Pro14=; no amino-acid change (proline 14 retained).
Molecular consequence: synonymous variant.
Genome position (GRCh38, 1-based): chr1:25,800,272, C>T. VCF-style: chr1-25800272-C-T. GRCh37 (hg19) VCF-style: chr1-26126763-C-T.
Other names: p.Pro14=; c.42C>T, p.Pro14= (NM_020451.3).
Identifiers: ClinVar variation 95964 (VCV000095964.23), dbSNP rs187960531, ClinGen allele CA149078.